The following is an entry in ClinVar:

NM_032551.5(KISS1R):c.930C>A (p.Cys310Ter)

Gene: KISS1R (KISS1 receptor; plus strand). Cytogenetic location: 19p13.3.
Variant type: single nucleotide variant.
Coding change: c.930C>A on transcript NM_032551.5 (MANE Select); coding-DNA position 930, C replaced by A.
Protein change: p.Cys310Ter; replaces cysteine 310 with a stop codon.
Molecular consequence: nonsense.
Genome position (GRCh38, 1-based): chr19:920,481, C>A. VCF-style: chr19-920481-C-A. GRCh37 (hg19) VCF-style: chr19-920481-C-A.
Other names: short protein forms C310*.
Identifiers: ClinVar variation 4880534 (VCV004880534.2).
Genomic context (GRCh38, chr19:920,481, plus strand): 5'-CGCGGGCTCCTGGCACCCACGCAGCTACGCCGCCTACGCGCTTAAGACCTGGGCTCACTG[C>A]ATGTCCTACAGCAACTCCGCGCTGAACCCGCTGCTCTACGCCTTCCTGGGCTCGCACTTC-3'

ClinVar aggregate classification (germline): Likely pathogenic (1 of 4 stars; one submission).

Submission:

Dasa
Classification: Likely pathogenic. Last evaluated: 2025-03-03. Review status: criteria provided, single submitter. Criteria: DASA Assertion Criteria. Collection method: clinical testing. Allele origin: germline.
Comment: NM_032551.5(KISS1R):c.930C>A (p.Cys310*) is a nonsense variant in KISS1R predicted to introduce a premature termination codon and is predicted to result in an absent or altered protein product. Loss of function is an established disease mechanism for KISS1R-associated disorders. Also, this variant is absent from population databases. Based on the currently available evidence, this variant is classified as likely pathogenic.